The following is an entry in ClinVar:

NM_001287491.2(TET3):c.2876G>T (p.Gly959Val)

Gene: TET3 (tet methylcytosine dioxygenase 3; plus strand). Cytogenetic location: 2p13.1.
Variant type: single nucleotide variant.
Coding change: c.2876G>T on transcript NM_001287491.2 (MANE Select); coding-DNA position 2876, G replaced by T.
Protein change: p.Gly959Val; replaces glycine 959 with valine.
Molecular consequence: missense variant.
Genome position (GRCh38, 1-based): chr2:74,088,026, G>T. VCF-style: chr2-74088026-G-T. GRCh37 (hg19) VCF-style: chr2-74315153-G-T.
Other names: c.2597G>T, p.Gly866Val (NM_001366022.1); short protein forms G866V, G959V.
Identifiers: ClinVar variation 3359415 (VCV003359415.1).

ClinVar aggregate classification (germline): Uncertain significance (1 of 4 stars; one submission).

Submission:

GeneDx
Classification: Uncertain significance. Last evaluated: 2023-06-02. Review status: criteria provided, single submitter. Criteria: GeneDx Variant Classification Process June 2021. Collection method: clinical testing. Allele origin: germline. Affected: yes.
Comment: Not observed at significant frequency in large population cohorts (gnomAD); In silico analysis supports that this missense variant has a deleterious effect on protein structure/function; Has not been previously published as pathogenic or benign to our knowledge